The following is an entry in ClinVar:

ClinVar aggregate classification (germline): Pathogenic (1 of 4 stars; one submission).

Submission:

Labcorp Genetics (formerly Invitae), Labcorp
Classification: Pathogenic. Last evaluated: 2023-05-16. Review status: criteria provided, single submitter. Criteria: Invitae Variant Classification Sherloc (09022015). Collection method: clinical testing. Allele origin: germline.
Comment: For these reasons, this variant has been classified as Pathogenic. This variant has not been reported in the literature in individuals affected with FRAS1-related conditions. This variant is not present in population databases (gnomAD no frequency). This sequence change creates a premature translational stop signal (p.Cys306*) in the FRAS1 gene. It is expected to result in an absent or disrupted protein product. Loss-of-function variants in FRAS1 are known to be pathogenic (PMID: 12766769, 18671281).

Literature cited by the submitters: PubMed 12766769; PubMed 18671281.

NM_025074.7(FRAS1):c.918del (p.Phe305_Cys306insTer)

Gene: FRAS1 (Fraser extracellular matrix complex subunit 1; plus strand). Cytogenetic location: 4q21.21.
Variant type: Deletion.
Coding change: c.918del on transcript NM_025074.7 (MANE Select); coding-DNA position 918, one base deleted (C; older notation c.918delC).
Protein change: p.Phe305_Cys306insTer.
Molecular consequence: nonsense.
Genome position (GRCh38, 1-based): chr4:78,267,369, C deleted. VCF-style (leftmost placement, unchanged base first): chr4-78267368-GC-G. GRCh37 (hg19) VCF-style: chr4-79188522-GC-G.
Other names: c.918del, p.Phe305_Cys306insTer (NM_001166133.2).
Identifiers: ClinVar variation 2798235 (VCV002798235.3), dbSNP rs2476541780, ClinGen allele CA2578123010.
Genomic context (GRCh38, chr4:78,267,368, plus strand): 5'-CCTATGATGGAGTTGTGCGGTACCAGGACGAAATGTGGAAGGGCTCGGCCTGTGAGTTCT[GC>G]ATGTGTGATCATGGCCAAGTGACCTGCCAGACTGGAGAGTGTGCCAAAGTGGAGTGTGCC-3'